The following is an entry in ClinVar:

ClinVar aggregate classification (germline): Likely benign (1 of 4 stars; one submission).

Allele frequency attached by ClinVar (database versions not stated): TOPMed below 0.00001; gnomAD 0.00001.
gnomAD v4.1: 18 of 1,611,828 alleles (0.0011%); highest among the groups gnomAD compares: East Asian, 0.0045%; no homozygotes.

Submission:

CeGaT Center for Human Genetics Tuebingen
Classification: Likely benign. Last evaluated: 2022-12-01. Review status: criteria provided, single submitter. Criteria: CeGaT Center For Human Genetics Tuebingen Variant Classification Criteria Version 2. Collection method: clinical testing. Allele origin: germline. Affected: yes. Observed: 1 variant allele.
Comment: THBS2: BP4, BP7

NM_003247.5(THBS2):c.3243G>A (p.Ala1081=)

Genes: THBS2 (thrombospondin 2; minus strand), THBS2-AS1 (THBS2 antisense RNA 1; plus strand). Cytogenetic location: 6q27.
Variant type: single nucleotide variant.
Coding change: c.3243G>A on transcript NM_003247.5 (MANE Select); coding-DNA position 3243, G replaced by A.
Protein change: p.Ala1081=; no amino-acid change (alanine 1081 retained).
Molecular consequence: synonymous variant. On other transcripts: non-coding transcript variant (2).
Genome position (GRCh38, 1-based): chr6:169,222,227, C>T on the plus strand (G>A on the coding strand, the complement: THBS2 is on the minus strand). VCF-style: chr6-169222227-C-T. GRCh37 (hg19) VCF-style: chr6-169622322-C-T.
Other names: c.3069G>A, p.Ala1023= (NM_001381939.1); c.3012G>A, p.Ala1004= (NM_001381942.1).
Identifiers: ClinVar variation 2657143 (VCV002657143.24), dbSNP rs1166734303, ClinGen allele CA453307885.